The following is an entry in ClinVar:

NM_006766.5(KAT6A):c.4742G>C (p.Ser1581Thr)

Gene: KAT6A (lysine acetyltransferase 6A; minus strand). Cytogenetic location: 8p11.21.
Variant type: single nucleotide variant.
Coding change: c.4742G>C on transcript NM_006766.5 (MANE Select); coding-DNA position 4742, G replaced by C.
Protein change: p.Ser1581Thr; replaces serine 1581 with threonine.
Molecular consequence: missense variant.
Genome position (GRCh38, 1-based): chr8:41,933,478, C>G on the plus strand (G>C on the coding strand, the complement: KAT6A is on the minus strand). VCF-style: chr8-41933478-C-G. GRCh37 (hg19) VCF-style: chr8-41790996-C-G.
Other names: short protein forms S1581T.
Identifiers: ClinVar variation 1716407 (VCV001716407.5), dbSNP rs1434308787, ClinGen allele CA371064741.
Genomic context (GRCh38, chr8:41,933,478, plus strand): 5'-CTCTGGGTGAGGCTGCTGGAGGACGACAGCCCACCGTAGGAGCAGCTGCTCTGGGAAGAG[C>G]TGTTCCCACAGATGCTGCCGCCCATCGTGGAGTCGTAACTGCTTGGGTTCTCATAGTTTT-3'
Protein context (NP_006757.2, residues 1571-1591): STMGGSICGN[Ser1581Thr]SSQSSCSYGG

ClinVar aggregate classification (germline): Uncertain significance (1 of 4 stars; one submission).

Submission:

Labcorp Genetics (formerly Invitae), Labcorp
Classification: Uncertain significance. Last evaluated: 2024-11-18. Review status: criteria provided, single submitter. Criteria: Invitae Variant Classification Sherloc (09022015). Collection method: clinical testing. Allele origin: germline.
Comment: This sequence change replaces serine, which is neutral and polar, with threonine, which is neutral and polar, at codon 1581 of the KAT6A protein (p.Ser1581Thr). This variant is not present in population databases (gnomAD no frequency). This variant has not been reported in the literature in individuals affected with KAT6A-related conditions. ClinVar contains an entry for this variant (Variation ID: 1716407). Invitae Evidence Modeling of protein sequence and biophysical properties (such as structural, functional, and spatial information, amino acid conservation, physicochemical variation, residue mobility, and thermodynamic stability) indicates that this missense variant is not expected to disrupt KAT6A protein function with a negative predictive value of 95%. In summary, the available evidence is currently insufficient to determine the role of this variant in disease. Therefore, it has been classified as a Variant of Uncertain Significance.